The following is an entry in ClinVar:

ClinVar aggregate classification (germline): Uncertain significance (1 of 4 stars; one submission).

Conditions:
Disseminated atypical mycobacterial infection. Identifiers: MedGen C0694566.

gnomAD v4.1: 33 of 1,607,710 alleles (0.0021%); highest among the groups gnomAD compares: Admixed American, 0.052%; no homozygotes.

Submission:

Labcorp Genetics (formerly Invitae), Labcorp
Classification: Uncertain significance for Disseminated atypical mycobacterial infection. Last evaluated: 2023-01-14. Review status: criteria provided, single submitter. Criteria: Invitae Variant Classification Sherloc (09022015). Collection method: clinical testing. Allele origin: germline.
Comment: In summary, the available evidence is currently insufficient to determine the role of this variant in disease. Therefore, it has been classified as a Variant of Uncertain Significance. Variants that disrupt the consensus splice site are a relatively common cause of aberrant splicing (PMID: 17576681, 9536098). Algorithms developed to predict the effect of sequence changes on RNA splicing suggest that this variant may disrupt the consensus splice site. This variant has not been reported in the literature in individuals affected with IFNGR1-related conditions. This variant is present in population databases (no rsID available, gnomAD 0.04%). This sequence change falls in intron 1 of the IFNGR1 gene. It does not directly change the encoded amino acid sequence of the IFNGR1 protein. It affects a nucleotide within the consensus splice site.

Literature cited by the submitters: PubMed 17576681; PubMed 9536098.

NM_000416.3(IFNGR1):c.85+5C>G

Gene: IFNGR1 (interferon gamma receptor 1; minus strand). Cytogenetic location: 6q23.3.
Variant type: single nucleotide variant.
Coding change: c.85+5C>G on transcript NM_000416.3 (MANE Select); 5 bases into the intron after coding-DNA position 85, C replaced by G.
Molecular consequence: intron variant.
Genome position (GRCh38, 1-based): chr6:137,219,238, G>C on the plus strand (C>G on the coding strand, the complement: IFNGR1 is on the minus strand). VCF-style: chr6-137219238-G-C. GRCh37 (hg19) VCF-style: chr6-137540375-G-C.
Identifiers: ClinVar variation 2143250 (VCV002143250.4), dbSNP rs371150014, ClinGen allele CA570588939.